The following is an entry in ClinVar:

NM_001005373.4(LRSAM1):c.253G>A (p.Val85Ile)

Gene: LRSAM1 (leucine rich repeat and sterile alpha motif containing 1; plus strand). Cytogenetic location: 9q33.3.
Variant type: single nucleotide variant.
Coding change: c.253G>A on transcript NM_001005373.4 (MANE Select); coding-DNA position 253, G replaced by A.
Protein change: p.Val85Ile; replaces valine 85 with isoleucine.
Molecular consequence: missense variant. On other transcripts: 5 prime UTR variant (1), non-coding transcript variant (2).
Genome position (GRCh38, 1-based): chr9:127,459,003, G>A. VCF-style: chr9-127459003-G-A. GRCh37 (hg19) VCF-style: chr9-130221282-G-A.
Other names: c.253G>A, p.Val85Ile (NM_001005374.4, NM_001190723.3, NM_001384142.1 and 2 more transcripts); c.-532G>A (NM_001384144.1); short protein forms V85I.
Identifiers: ClinVar variation 943089 (VCV000943089.8), dbSNP rs765537196, ClinGen allele CA199851876.
Genomic context (GRCh38, chr9:127,459,003, plus strand): 5'-GGAGCCCGGAGTCTGAGGGACTTTCTCACTTGGAGACTCACAGGGGTCTTTCTTCTGCAG[G>A]TTCTAGATCTCCACGATAATCAGCTGACAGCCCTTCCTGACGATCTGGGGCAGCTGACTG-3'
Protein context (NP_001005373.1, residues 75-95): CSLLSLATIK[Val85Ile]LDLHDNQLTA

ClinVar aggregate classification (germline): Uncertain significance. Review status: criteria provided, multiple submitters, no conflicts (2 of 4 stars). 2 submissions from 2 submitters: Uncertain significance (2). Last evaluated 2024-10-12.

Conditions:
Charcot-Marie-Tooth disease axonal type 2P. Also called: Charcot-Marie-Tooth Neuropathy Type 2G; CHARCOT-MARIE-TOOTH DISEASE, AXONAL, TYPE 2G; CMT 2G; CHARCOT-MARIE-TOOTH NEUROPATHY, TYPE 2P. Identifiers: Orphanet 300319, Orphanet 99941, MedGen C3280797, MONDO:0013753, OMIM 614436.

gnomAD v4.1: 20 of 1,613,546 alleles (0.0012%); highest among the groups gnomAD compares: Non-Finnish European, 0.0014%; no homozygotes.

Submissions (2):

Labcorp Genetics (formerly Invitae), Labcorp
Classification: Uncertain significance for Charcot-Marie-Tooth disease axonal type 2P. Last evaluated: 2024-10-12. Review status: criteria provided, single submitter. Criteria: Invitae Variant Classification Sherloc (09022015). Collection method: clinical testing. Allele origin: germline.
Comment: This sequence change replaces valine, which is neutral and non-polar, with isoleucine, which is neutral and non-polar, at codon 85 of the LRSAM1 protein (p.Val85Ile). This variant is not present in population databases (gnomAD no frequency). This variant has not been reported in the literature in individuals affected with LRSAM1-related conditions. ClinVar contains an entry for this variant (Variation ID: 943089). An algorithm developed to predict the effect of missense changes on protein structure and function (PolyPhen-2) suggests that this variant is likely to be disruptive. In summary, the available evidence is currently insufficient to determine the role of this variant in disease. Therefore, it has been classified as a Variant of Uncertain Significance.

GeneDx
Classification: Uncertain significance. Last evaluated: 2022-12-31. Review status: criteria provided, single submitter. Criteria: GeneDx Variant Classification Process June 2021. Collection method: clinical testing. Allele origin: germline. Affected: yes.
Comment: Not observed at significant frequency in large population cohorts (gnomAD); In silico analysis supports that this missense variant does not alter protein structure/function; Has not been previously published as pathogenic or benign to our knowledge; This variant is associated with the following publications: (PMID: 22781092)